The following is an entry in ClinVar:

NM_000719.7(CACNA1C):c.5090G>T (p.Arg1697Met)

Genes: CACNA1C (calcium voltage-gated channel subunit alpha1 C; plus strand), CACNA1C-AS1 (CACNA1C antisense RNA 1; minus strand). Cytogenetic location: 12p13.33.
Variant type: single nucleotide variant.
Coding change: c.5090G>T on transcript NM_000719.7 (MANE Select); coding-DNA position 5090, G replaced by T.
Protein change: p.Arg1697Met; replaces arginine 1697 with methionine.
Molecular consequence: missense variant. On other transcripts: non-coding transcript variant (1).
Genome position (GRCh38, 1-based): chr12:2,677,866, G>T. VCF-style: chr12-2677866-G-T. GRCh37 (hg19) VCF-style: chr12-2787032-G-T.
Other names: c.5234G>T, p.Arg1745Met (NM_001129827.2, NM_199460.4); c.5213G>T, p.Arg1738Met (NM_001129829.2); c.5090G>T, p.Arg1697Met (NM_001129830.3, NM_001129840.2, NM_001129841.2 and 4 more transcripts); c.5174G>T, p.Arg1725Met (NM_001129831.2); c.5150G>T, p.Arg1717Met (NM_001129832.2); c.5147G>T, p.Arg1716Met (NM_001129833.2, NM_001129834.2, NM_001129835.2); c.5141G>T, p.Arg1714Met (NM_001129836.2); c.5114G>T, p.Arg1705Met (NM_001129837.2, NM_001129838.2); and 3 more; short protein forms R1686M, R1694M, R1697M, R1703M, R1705M, R1714M, R1716M, R1717M.
Identifiers: ClinVar variation 4278864 (VCV004278864.3).

ClinVar aggregate classification (germline): Uncertain significance. Review status: criteria provided, multiple submitters, no conflicts (2 of 4 stars). 2 submissions from 2 submitters: Uncertain significance (2). Last evaluated 2026-07-27.

Conditions:
Long QT syndrome (LQTS). Identifiers: MedGen C0023976, MeSH D008133, MONDO:0002442. Disease mechanism: loss of function. Inheritance: Various modes of inheritance.

gnomAD v4.1: 1 of 1,613,980 alleles (0.000062%); highest among the groups gnomAD compares: Non-Finnish European, 0.000085%; no homozygotes.

Submissions (2):

GeneDx
Classification: Uncertain significance. Last evaluated: 2026-07-27. Review status: criteria provided, single submitter. Criteria: GeneDx Variant Classification Process June 2021. Collection method: clinical testing. Allele origin: germline.
Comment: Not observed at significant frequency in large population cohorts (gnomAD); In silico analysis supports that this missense variant has a deleterious effect on protein structure/function; Has not been previously published as pathogenic or benign to our knowledge

Labcorp Genetics (formerly Invitae), Labcorp
Classification: Uncertain significance for Long QT syndrome. Last evaluated: 2025-03-09. Review status: criteria provided, single submitter. Criteria: Invitae Variant Classification Sherloc (09022015). Collection method: clinical testing. Allele origin: germline.
Comment: This sequence change replaces arginine, which is basic and polar, with methionine, which is neutral and non-polar, at codon 1697 of the CACNA1C protein (p.Arg1697Met). This variant is present in population databases (no rsID available, gnomAD 0.0009%). This variant has not been reported in the literature in individuals affected with CACNA1C-related conditions. An algorithm developed to predict the effect of missense changes on protein structure and function (PolyPhen-2) suggests that this variant is likely to be disruptive. In summary, the available evidence is currently insufficient to determine the role of this variant in disease. Therefore, it has been classified as a Variant of Uncertain Significance.